The following is an entry in ClinVar:

NM_001330078.2(NRXN1):c.2211G>A (p.Thr737=)

Gene: NRXN1 (neurexin 1; minus strand). Cytogenetic location: 2p16.3.
Variant type: single nucleotide variant.
Coding change: c.2211G>A on transcript NM_001330078.2 (MANE Select); coding-DNA position 2211, G replaced by A.
Protein change: p.Thr737=; no amino-acid change (threonine 737 retained).
Molecular consequence: synonymous variant.
Genome position (GRCh38, 1-based): chr2:50,531,363, C>T on the plus strand (G>A on the coding strand, the complement: NRXN1 is on the minus strand). VCF-style: chr2-50531363-C-T. GRCh37 (hg19) VCF-style: chr2-50758501-C-T.
Other names: c.2331G>A, p.Thr777= (NM_001135659.3); c.2187G>A, p.Thr729= (NM_001330077.2, NM_001330082.2, NM_001330095.2); c.2172G>A, p.Thr724= (NM_001330083.2, NM_001330084.2); c.2211G>A, p.Thr737= (NM_001330085.2, NM_001330086.2, NM_004801.6); c.2127G>A, p.Thr709= (NM_001330087.2, NM_001330096.2); c.2157G>A, p.Thr719= (NM_001330088.2); c.2208G>A, p.Thr736= (NM_001330093.2); c.2199G>A, p.Thr733= (NM_001330094.2).
Identifiers: ClinVar variation 1336457 (VCV001336457.9), dbSNP rs755177932, ClinGen allele CA1654891.
Genomic context (GRCh38, chr2:50,531,363, plus strand): 5'-TGCCATCAGAATGCCATATGCACGCTGGGATCGGAACCGTAAGGAAACATCCTCAGCCTC[C>T]GTATGCATGACTACGGGGAGCTGAATTTTCATAAACATGCTCCCATCATAGCTCAAAACC-3'
Protein context (NP_001317007.1, residues 727-747): MKIQLPVVMH[Thr737=]EAEDVSLRFR

ClinVar aggregate classification (germline): Likely benign. Review status: criteria provided, multiple submitters, no conflicts (2 of 4 stars). 4 submissions from 4 submitters: Likely benign (4). Last evaluated 2025-09-14.

Conditions:
Pitt-Hopkins-like syndrome 2 (PTHSL2). Identifiers: Orphanet 221150, Orphanet 600663, MedGen C3280479, MONDO:0013690, OMIM 614325.
NRXN1-related disorder.

Allele frequency attached by ClinVar (database versions not stated): ExAC 0.00001; gnomAD 0.00001; gnomAD exomes 0.00002; TOPMed 0.00002.
gnomAD v4.1: 24 of 1,612,962 alleles (0.0015%); highest among the groups gnomAD compares: East Asian, 0.0067%; no homozygotes.

Submissions (4):

PreventionGenetics, part of Exact Sciences
Classification: Likely benign for NRXN1-related condition. Last evaluated: 2025-09-14. Review status: criteria provided, single submitter. Criteria: ACMG Guidelines, 2015. Collection method: clinical testing. Allele origin: germline.
Comment: This variant is classified as likely benign based on ACMG/AMP sequence variant interpretation guidelines (Richards et al. 2015 PMID: 25741868, with internal and published modifications).

Labcorp Genetics (formerly Invitae), Labcorp
Classification: Likely benign for Pitt-Hopkins-like syndrome 2. Last evaluated: 2025-08-15. Review status: criteria provided, single submitter. Criteria: Invitae Variant Classification Sherloc (09022015). Collection method: clinical testing. Allele origin: germline.

Blueprint Genetics
Classification: Likely benign. Last evaluated: 2024-09-30. Review status: criteria provided, single submitter. Criteria: ACMG Guidelines, 2015. Collection method: clinical testing. Allele origin: germline.

Genetic Services Laboratory, University of Chicago
Classification: Likely benign. Last evaluated: 2017-12-29. Review status: criteria provided, single submitter. Criteria: ACMG Guidelines, 2015. Collection method: clinical testing. Allele origin: germline. Affected: no.